The following is an entry in ClinVar:

ClinVar aggregate classification (germline): Pathogenic. Review status: criteria provided, multiple submitters, no conflicts (2 of 4 stars). 2 submissions from 2 submitters: Pathogenic (2). Last evaluated 2026-01-22.

Conditions:
Alport syndrome. Also called: Hemorrhagic familial nephritis; Hemorrhagic hereditary nephritis; Congenital hereditary hematuria. Identifiers: Orphanet 63, MedGen C1567741, MONDO:0018965.

gnomAD v4.1: 3 of 1,613,860 alleles (0.00019%); highest among the groups gnomAD compares: Non-Finnish European, 0.00025%; no homozygotes.

Submissions (2):

Natera, Inc.
Classification: Pathogenic for Alport syndrome. Last evaluated: 2026-01-22. Review status: criteria provided, single submitter. Criteria: Natera Variant Classification Schema (03/2026). Collection method: clinical testing. Allele origin: germline.
Comment: The c.4738G>T variant in COL4A3 is a nonsense variant predicted to introduce a stop codon at amino acid 1580. This variant is expected to result in nonsense mediated decay, truncation, or a dysfunctional protein product. This variant is rare in the general population with a frequency below the threshold expected for the associated phenotype(s). This variant has been observed in one or more individuals affected with the associated recessive disease, as either homozygous or compound heterozygous with a second variant (PMID: 35948208). Given the available evidence, this variant is classified as Pathogenic.

Labcorp Genetics (formerly Invitae), Labcorp
Classification: Pathogenic. Last evaluated: 2023-10-13. Review status: criteria provided, single submitter. Criteria: Invitae Variant Classification Sherloc (09022015). Collection method: clinical testing. Allele origin: germline.
Comment: This sequence change creates a premature translational stop signal (p.Gly1580*) in the COL4A3 gene. It is expected to result in an absent or disrupted protein product. Loss-of-function variants in COL4A3 are known to be pathogenic (PMID: 8956999, 24854265, 26809805, 27281700). This variant is not present in population databases (gnomAD no frequency). This variant has not been reported in the literature in individuals affected with COL4A3-related conditions. For these reasons, this variant has been classified as Pathogenic.

Literature cited by the submitters: PubMed 35948208 (cited by Natera, Inc.); PubMed 8956999 (cited by Labcorp Genetics (formerly Invitae), Labcorp); PubMed 24854265 (cited by Labcorp Genetics (formerly Invitae), Labcorp); PubMed 26809805 (cited by Labcorp Genetics (formerly Invitae), Labcorp); PubMed 27281700 (cited by Labcorp Genetics (formerly Invitae), Labcorp).

NM_000091.5(COL4A3):c.4738G>T (p.Gly1580Ter)

Genes: COL4A3 (collagen type IV alpha 3 chain; plus strand), MFF-DT (MFF divergent transcript; minus strand). Cytogenetic location: 2q36.3.
Variant type: single nucleotide variant.
Coding change: c.4738G>T on transcript NM_000091.5 (MANE Select); coding-DNA position 4738, G replaced by T.
Protein change: p.Gly1580Ter; replaces glycine 1580 with a stop codon.
Molecular consequence: nonsense.
Genome position (GRCh38, 1-based): chr2:227,309,301, G>T. VCF-style: chr2-227309301-G-T. GRCh37 (hg19) VCF-style: chr2-228174017-G-T.
Other names: short protein forms G1580*.
Identifiers: ClinVar variation 3009844 (VCV003009844.4), dbSNP rs2073646633, ClinGen allele CA350865815.